The following is an entry in ClinVar:

NM_000368.5(TSC1):c.1825G>A (p.Glu609Lys)

Gene: TSC1 (TSC complex subunit 1; minus strand). Cytogenetic location: 9q34.13.
Variant type: single nucleotide variant.
Coding change: c.1825G>A on transcript NM_000368.5 (MANE Select); coding-DNA position 1825, G replaced by A.
Protein change: p.Glu609Lys; replaces glutamic acid 609 with lysine.
Molecular consequence: missense variant.
Genome position (GRCh38, 1-based): chr9:132,905,753, C>T on the plus strand (G>A on the coding strand, the complement: TSC1 is on the minus strand). VCF-style: chr9-132905753-C-T. GRCh37 (hg19) VCF-style: chr9-135781140-C-T.
Other names: c.1822G>A, p.Glu608Lys (NM_001162426.2); c.1672G>A, p.Glu558Lys (NM_001162427.2); c.1462G>A, p.Glu488Lys (NM_001362177.2); c.1825G>A (NM_000368.4); short protein forms E488K, E558K, E609K, E608K.
Identifiers: ClinVar variation 1361661 (VCV001361661.9), dbSNP rs118203587, ClinGen allele CA375363258.

ClinVar aggregate classification (germline): Uncertain significance. Review status: criteria provided, multiple submitters, no conflicts (2 of 4 stars). 2 submissions from 2 submitters: Uncertain significance (2). Last evaluated 2024-06-09.

Conditions:
Hereditary cancer-predisposing syndrome. Also called: Hereditary Cancer Syndrome; Hereditary neoplastic syndrome; Tumor predisposition; Neoplastic Syndromes, Hereditary. Identifiers: Orphanet 140162, MedGen C0027672, MeSH D009386, MONDO:0015356.
Tuberous sclerosis 1 (TSC1). Identifiers: Orphanet 805, MedGen C1854465, MONDO:0008612, OMIM 191100.

Submissions (2):

Ambry Genetics
Classification: Uncertain significance for Hereditary cancer-predisposing syndrome. Last evaluated: 2024-06-09. Review status: criteria provided, single submitter. Criteria: Ambry Variant Classification Scheme 2023. Collection method: clinical testing. Allele origin: germline.
Comment: The p.E609K variant (also known as c.1825G>A), located in coding exon 13 of the TSC1 gene, results from a G to A substitution at nucleotide position 1825. The glutamic acid at codon 609 is replaced by lysine, an amino acid with similar properties. This amino acid position is conserved. In addition, the in silico prediction for this alteration is inconclusive. Based on the available evidence, the clinical significance of this variant remains unclear.

Labcorp Genetics (formerly Invitae), Labcorp
Classification: Uncertain significance for Tuberous sclerosis 1. Last evaluated: 2021-06-16. Review status: criteria provided, single submitter. Criteria: Invitae Variant Classification Sherloc (09022015). Collection method: clinical testing. Allele origin: germline.
Comment: In summary, the available evidence is currently insufficient to determine the role of this variant in disease. Therefore, it has been classified as a Variant of Uncertain Significance. Algorithms developed to predict the effect of missense changes on protein structure and function are either unavailable or do not agree on the potential impact of this missense change (SIFT: "Tolerated"; PolyPhen-2: "Probably Damaging"; Align-GVGD: "Class C0"). This variant has not been reported in the literature in individuals with TSC1-related conditions. This variant is not present in population databases (ExAC no frequency). This sequence change replaces glutamic acid with lysine at codon 609 of the TSC1 protein (p.Glu609Lys). The glutamic acid residue is moderately conserved and there is a small physicochemical difference between glutamic acid and lysine.